The following is an entry in ClinVar:

ClinVar aggregate classification (germline): Pathogenic. Review status: criteria provided, multiple submitters, no conflicts (2 of 4 stars). 2 submissions from 2 submitters: Pathogenic (2). Last evaluated 2026-02-11.

Conditions:
Mosaic variegated aneuploidy syndrome 1 (MVA1). Also called: Warburton-Anyane-Yeboa syndrome. Identifiers: Orphanet 1052, MedGen C1850343, MONDO:0009759, OMIM 257300.

Allele frequency attached by ClinVar (database versions not stated): gnomAD 0.00001; gnomAD exomes below 0.00001.
gnomAD v4.1: 2 of 1,613,910 alleles (0.00012%); highest among the groups gnomAD compares: South Asian, 0.0011%; no homozygotes.

Submissions (2):

St. Jude Molecular Pathology, St. Jude Children's Research Hospital
Classification: Pathogenic for Mosaic variegated aneuploidy syndrome 1. Last evaluated: 2026-02-11. Review status: criteria provided, single submitter. Criteria: St. Jude Assertion Criteria 2020. Collection method: clinical testing. Allele origin: germline.
Comment: The BUB1B c.799C>T p.(Gln267 Ter) change is a nonsense variant that is predicted to cause premature protein truncation or absence of protein due to nonsense-mediated decay. To our knowledge, this variant has not been reported in individuals with mosaic variegated aneuploidy syndrome . This variant is absent in gnomAD v2.1.1. In summary, this variant meets criteria to be classified as pathogenic.

Labcorp Genetics (formerly Invitae), Labcorp
Classification: Pathogenic for Mosaic variegated aneuploidy syndrome 1. Last evaluated: 2025-07-15. Review status: criteria provided, single submitter. Criteria: Invitae Variant Classification Sherloc (09022015). Collection method: clinical testing. Allele origin: germline.
Comment: This sequence change creates a premature translational stop signal (p.Gln267*) in the BUB1B gene. It is expected to result in an absent or disrupted protein product. Loss-of-function variants in BUB1B are known to be pathogenic (PMID: 15475955, 21190457). This variant is not present in population databases (gnomAD no frequency). This variant has not been reported in the literature in individuals affected with BUB1B-related conditions. ClinVar contains an entry for this variant (Variation ID: 1070955). Algorithms developed to predict the effect of sequence changes on RNA splicing suggest that this variant may disrupt the consensus splice site. For these reasons, this variant has been classified as Pathogenic.

Literature cited by the submitters: PubMed 15475955 (cited by Labcorp Genetics (formerly Invitae), Labcorp); PubMed 21190457 (cited by Labcorp Genetics (formerly Invitae), Labcorp).

NM_001211.6(BUB1B):c.799C>T (p.Gln267Ter)

Gene: BUB1B (BUB1 mitotic checkpoint serine/threonine kinase B; plus strand). Cytogenetic location: 15q15.1.
Variant type: single nucleotide variant.
Coding change: c.799C>T on transcript NM_001211.6 (MANE Select); coding-DNA position 799, C replaced by T.
Protein change: p.Gln267Ter; replaces glutamine 267 with a stop codon.
Molecular consequence: nonsense.
Genome position (GRCh38, 1-based): chr15:40,185,212, C>T. VCF-style: chr15-40185212-C-T. GRCh37 (hg19) VCF-style: chr15-40477413-C-T.
Other names: c.799C>T (NM_001211.5); short protein forms Q267*.
Identifiers: ClinVar variation 1070955 (VCV001070955.8), dbSNP rs746135465, ClinGen allele CA391684029.